The following is an entry in ClinVar:

NM_182914.3(SYNE2):c.7665G>A (p.Thr2555=)

Gene: SYNE2 (spectrin repeat containing nuclear envelope protein 2; plus strand). Cytogenetic location: 14q23.2.
Variant type: single nucleotide variant.
Coding change: c.7665G>A on transcript NM_182914.3 (MANE Select); coding-DNA position 7665, G replaced by A.
Protein change: p.Thr2555=; no amino-acid change (threonine 2555 retained).
Molecular consequence: synonymous variant.
Genome position (GRCh38, 1-based): chr14:64,051,578, G>A. VCF-style: chr14-64051578-G-A. GRCh37 (hg19) VCF-style: chr14-64518296-G-A.
Other names: c.7665G>A, p.Thr2555= (NM_015180.6).
Identifiers: ClinVar variation 1588246 (VCV001588246.9), dbSNP rs772344164, ClinGen allele CA7220996.
Genomic context (GRCh38, chr14:64,051,578, plus strand): 5'-ATTAAATATTAACAAGCTCTATTTTTATTCTTTTTCTAGAGGACCACTGGACAGTGTAAC[G>A]TATCTGGACAAAATTAAAAAATTCATAGCATCCATAGAAAAAGAGAAAGATTCTTTAGGC-3'
Protein context (NP_878918.2, residues 2545-2565): SLKVGPLDSV[Thr2555=]YLDKIKKFIA

ClinVar aggregate classification (germline): Likely benign. Review status: criteria provided, multiple submitters, no conflicts (2 of 4 stars). 2 submissions from 2 submitters: Likely benign (2). Last evaluated 2026-07-01.

Conditions:
Emery-Dreifuss muscular dystrophy 5, autosomal dominant (EDMD5). Also called: EMERY-DREIFUSS MUSCULAR DYSTROPHY 5. Identifiers: Orphanet 261, MedGen C2751805, MONDO:0013072, OMIM 612999.

Allele frequency attached by ClinVar (database versions not stated): gnomAD 0.00001; gnomAD exomes 0.00001; TOPMed 0.00001; ExAC 0.00002.
gnomAD v4.1: 62 of 1,613,138 alleles (0.0038%); highest among the groups gnomAD compares: Non-Finnish European, 0.0051%; no homozygotes.

Submissions (2):

CeGaT Center for Human Genetics Tuebingen
Classification: Likely benign. Last evaluated: 2026-07-01. Review status: criteria provided, single submitter. Criteria: CeGaT Center For Human Genetics Tuebingen Variant Classification Criteria Version 2. Collection method: clinical testing. Allele origin: germline. Affected: yes. Observed: 1 variant allele.
Comment: SYNE2: BP4, BP7

Labcorp Genetics (formerly Invitae), Labcorp
Classification: Likely benign for Emery-Dreifuss muscular dystrophy 5, autosomal dominant. Last evaluated: 2025-07-30. Review status: criteria provided, single submitter. Criteria: Invitae Variant Classification Sherloc (09022015). Collection method: clinical testing. Allele origin: germline.